The following is an entry in ClinVar:

NM_000222.3(KIT):c.2138C>G (p.Ser713Cys)

Gene: KIT (KIT proto-oncogene, receptor tyrosine kinase; plus strand). Cytogenetic location: 4q12.
Variant type: single nucleotide variant.
Coding change: c.2138C>G on transcript NM_000222.3 (MANE Select); coding-DNA position 2138, C replaced by G.
Protein change: p.Ser713Cys; replaces serine 713 with cysteine.
Molecular consequence: missense variant.
Genome position (GRCh38, 1-based): chr4:54,729,482, C>G. VCF-style: chr4-54729482-C-G. GRCh37 (hg19) VCF-style: chr4-55595648-C-G.
Other names: c.2126C>G, p.Ser709Cys (NM_001093772.2, NM_001385286.1); c.2141C>G, p.Ser714Cys (NM_001385284.1, NM_001385290.1); c.2138C>G, p.Ser713Cys (NM_001385285.1); c.2129C>G, p.Ser710Cys (NM_001385288.1, NM_001385292.1); short protein forms S710C, S713C, S714C, S709C.
Identifiers: ClinVar variation 1475897 (VCV001475897.6), dbSNP rs775274159, ClinGen allele CA356909912.

ClinVar aggregate classification (germline): Uncertain significance (1 of 4 stars; one submission).

Conditions:
Gastrointestinal stromal tumor. Also called: Gastrointestinal stroma tumor; Gastrointestinal stromal tumor, somatic. Identifiers: Orphanet 44890, MedGen C0238198, MeSH D046152, MONDO:0011719, OMIM 606764, HP:0100723.

Submission:

Labcorp Genetics (formerly Invitae), Labcorp
Classification: Uncertain significance for Gastrointestinal stromal tumor. Last evaluated: 2021-11-01. Review status: criteria provided, single submitter. Criteria: Invitae Variant Classification Sherloc (09022015). Collection method: clinical testing. Allele origin: germline.
Comment: This sequence change replaces serine, which is neutral and polar, with cysteine, which is neutral and slightly polar, at codon 713 of the KIT protein (p.Ser713Cys). This variant is not present in population databases (gnomAD no frequency). This variant has not been reported in the literature in individuals affected with KIT-related conditions. Algorithms developed to predict the effect of missense changes on protein structure and function are either unavailable or do not agree on the potential impact of this missense change (SIFT: "Deleterious"; PolyPhen-2: "Possibly Damaging"; Align-GVGD: "Class C0"). In summary, the available evidence is currently insufficient to determine the role of this variant in disease. Therefore, it has been classified as a Variant of Uncertain Significance.